The following is an entry in ClinVar:

NM_022726.4(ELOVL4):c.101-268G>A

Gene: ELOVL4 (ELOVL fatty acid elongase 4; minus strand). Cytogenetic location: 6q14.1.
Variant type: single nucleotide variant.
Coding change: c.101-268G>A on transcript NM_022726.4 (MANE Select); 268 bases into the intron before coding-DNA position 101, G replaced by A.
Molecular consequence: intron variant.
Genome position (GRCh38, 1-based): chr6:79,926,649, C>T on the plus strand (G>A on the coding strand, the complement: ELOVL4 is on the minus strand). VCF-style: chr6-79926649-C-T. GRCh37 (hg19) VCF-style: chr6-80636366-C-T.
Identifiers: ClinVar variation 674088 (VCV000674088.1), dbSNP rs10223474, ClinGen allele CA142271582.
Genomic context (GRCh38, chr6:79,926,649, plus strand): 5'-TTACTTATGTCACACATTATGTTTTACAGAGACCCTACAGAACAAAAACAAGAAATAAAG[C>T]GCACTAAAAACAGAGGTGGTTATCTTGGGATGAAAAGTTAATGAAAAACTTCATACACAG-3'

ClinVar aggregate classification (germline): Likely benign (1 of 4 stars; one submission).

Allele frequency attached by ClinVar (database versions not stated): gnomAD 0.00775 and 0.00834; 1000 Genomes Project 0.00859; TOPMed 0.00882; 1000 Genomes Project 30x 0.00953.
gnomAD v4.1: 1,170 of 152,140 alleles (0.77%); highest among the groups gnomAD compares: African/African-American, 2.6%; 15 homozygotes.

Submission:

GeneDx
Classification: Likely benign. Last evaluated: 2018-06-19. Review status: criteria provided, single submitter. Criteria: GeneDx Variant Classification (06012015). Collection method: clinical testing. Allele origin: germline. Affected: yes.
Comment: This variant is considered likely benign or benign based on one or more of the following criteria: it is a conservative change, it occurs at a poorly conserved position in the protein, it is predicted to be benign by multiple in silico algorithms, and/or has population frequency not consistent with disease.